The following is an entry in ClinVar:

NM_000130.5(F5):c.3536A>G (p.His1179Arg)

Gene: F5 (coagulation factor V; minus strand). Cytogenetic location: 1q24.2.
Variant type: single nucleotide variant.
Coding change: c.3536A>G on transcript NM_000130.5 (MANE Select); coding-DNA position 3536, A replaced by G.
Protein change: p.His1179Arg; replaces histidine 1179 with arginine.
Molecular consequence: missense variant.
Genome position (GRCh38, 1-based): chr1:169,541,554, T>C on the plus strand (A>G on the coding strand, the complement: F5 is on the minus strand). VCF-style: chr1-169541554-T-C. GRCh37 (hg19) VCF-style: chr1-169510792-T-C.
Other names: short protein forms H1179R.
Identifiers: ClinVar variation 4020749 (VCV004020749.2).

ClinVar aggregate classification (germline): Uncertain significance. Review status: criteria provided, multiple submitters, no conflicts (2 of 4 stars). 2 submissions from 2 submitters: Uncertain significance (2). Last evaluated 2026-01-26.

Conditions:
Congenital factor V deficiency. Also called: Hereditary factor V deficiency disease; LABILE FACTOR DEFICIENCY; OWREN PARAHEMOPHILIA; PARAHEMOPHILIA. Identifiers: Orphanet 326, MedGen C0015499, MONDO:0009210, OMIM 227400.
Inborn genetic diseases. Identifiers: MedGen C0950123, MeSH D030342.

gnomAD v4.1: 29 of 1,614,068 alleles (0.0018%); highest among the groups gnomAD compares: African/African-American, 0.035%; no homozygotes.

Submissions (2):

Labcorp Genetics (formerly Invitae), Labcorp
Classification: Uncertain significance for Congenital factor V deficiency. Last evaluated: 2026-01-26. Review status: criteria provided, single submitter. Criteria: Invitae Variant Classification Sherloc (09022015). Collection method: clinical testing. Allele origin: germline.
Comment: This sequence change replaces histidine, which is basic and polar, with arginine, which is basic and polar, at codon 1179 of the F5 protein (p.His1179Arg). This variant is present in population databases (rs201388299, gnomAD 0.03%). This variant has not been reported in the literature in individuals affected with F5-related conditions. ClinVar contains an entry for this variant (Variation ID: 4020749). Invitae Evidence Modeling of protein sequence and biophysical properties (such as structural, functional, and spatial information, amino acid conservation, physicochemical variation, residue mobility, and thermodynamic stability) indicates that this missense variant is not expected to disrupt F5 protein function with a negative predictive value of 80%. In summary, the available evidence is currently insufficient to determine the role of this variant in disease. Therefore, it has been classified as a Variant of Uncertain Significance.

Ambry Genetics
Classification: Uncertain significance for Inborn genetic diseases. Last evaluated: 2025-04-11. Review status: criteria provided, single submitter. Criteria: Ambry Variant Classification Scheme 2023. Collection method: clinical testing. Allele origin: germline.